The following is an entry in ClinVar:

ClinVar aggregate classification (germline): Uncertain significance (1 of 4 stars; one submission).

Conditions:
Neuroblastoma, susceptibility to, 3. Also called: ALK-Related Neuroblastic Tumor Susceptibility. Identifiers: Orphanet 635, MedGen C2751681, MONDO:0013083, OMIM 613014.

Submission:

Labcorp Genetics (formerly Invitae), Labcorp
Classification: Uncertain significance for Neuroblastoma, susceptibility to, 3. Last evaluated: 2025-01-07. Review status: criteria provided, single submitter. Criteria: Invitae Variant Classification Sherloc (09022015). Collection method: clinical testing. Allele origin: germline.
Comment: This sequence change replaces threonine, which is neutral and polar, with proline, which is neutral and non-polar, at codon 231 of the ALK protein (p.Thr231Pro). This variant is not present in population databases (gnomAD no frequency). This variant has not been reported in the literature in individuals affected with ALK-related conditions. ClinVar contains an entry for this variant (Variation ID: 404383). An algorithm developed to predict the effect of missense changes on protein structure and function (PolyPhen-2) suggests that this variant is likely to be tolerated. In summary, the available evidence is currently insufficient to determine the role of this variant in disease. Therefore, it has been classified as a Variant of Uncertain Significance.

NM_004304.5(ALK):c.691A>C (p.Thr231Pro)

Gene: ALK (ALK receptor tyrosine kinase; minus strand). Cytogenetic location: 2p23.2.
Variant type: single nucleotide variant.
Coding change: c.691A>C on transcript NM_004304.5 (MANE Select); coding-DNA position 691, A replaced by C.
Protein change: p.Thr231Pro; replaces threonine 231 with proline.
Molecular consequence: missense variant.
Genome position (GRCh38, 1-based): chr2:29,717,674, T>G on the plus strand (A>C on the coding strand, the complement: ALK is on the minus strand). VCF-style: chr2-29717674-T-G. GRCh37 (hg19) VCF-style: chr2-29940540-T-G.
Other names: short protein forms T231P.
Identifiers: ClinVar variation 404383 (VCV000404383.8), dbSNP rs1060500230, ClinGen allele CA16610749.
Genomic context (GRCh38, chr2:29,717,674, plus strand): 5'-CTTTCATTATCCAGGTGAGATTCCATGTAAAATAATCAGGAGAAGGAGAAGGCATGTTTG[T>G]TGGTGATTCCAAGGAGCTATGACCTGGACATAAAAATAAAGAAAACACTGATCCATGTGC-3'
Protein context (NP_004295.2, residues 221-241): GTGHSSLESP[Thr231Pro]NMPSPSPDYF